The following is an entry in ClinVar:

NM_000218.3(KCNQ1):c.502G>A (p.Gly168Arg)

Gene: KCNQ1 (potassium voltage-gated channel subfamily Q member 1; plus strand). Cytogenetic location: 11p15.5.
Variant type: single nucleotide variant.
Coding change: c.502G>A on transcript NM_000218.3 (MANE Select); coding-DNA position 502, G replaced by A.
Protein change: p.Gly168Arg; replaces glycine 168 with arginine.
Molecular consequence: missense variant.
Genome position (GRCh38, 1-based): chr11:2,570,652, G>A. VCF-style: chr11-2570652-G-A. GRCh37 (hg19) VCF-style: chr11-2591882-G-A.
Other names: c.502G>A (LRG_287t1); c.502G>A, p.Gly168Arg (NM_001406836.1); c.232G>A, p.Gly78Arg (NM_001406837.1); c.121G>A, p.Gly41Arg (NM_181798.2); short protein forms G168R, G41R, G78R.
Identifiers: ClinVar variation 53052 (VCV000053052.38), dbSNP rs179489, ClinGen allele CA007263.

ClinVar aggregate classification (germline): Pathogenic. Review status: criteria provided, multiple submitters, no conflicts (2 of 4 stars). 16 submissions from 16 submitters: Pathogenic (14). 2 of the submissions do not count toward it. Last evaluated 2026-01-15.

Conditions:
Cardiac arrhythmia. Also called: Arrhythmia; Cardiac rhythm disease. Identifiers: MedGen C0003811, MONDO:0007263, HP:0011675.
Cardiovascular phenotype. Identifiers: MedGen CN230736.
KCNQ1-related disorder. Also called: KCNQ1-related condition; KCNQ1-related disorders. Identifiers: MedGen CN239322.
Familial long QT syndrome (RWS). Also called: Congenital long QT syndrome; Romano-Ward syndrome; VENTRICULAR FIBRILLATION WITH PROLONGED QT INTERVAL. Identifiers: Orphanet 768, MedGen C1141890, MONDO:0019171.
Atrial fibrillation, familial, 3 (ATFB3). Identifiers: MedGen C1837014, MONDO:0011857, OMIM 607554.
Long QT syndrome 1 (LQT1). Identifiers: Orphanet 101016, Orphanet 768, MedGen C4551647, MONDO:0100316, OMIM 192500, MONDO:0008646.
Jervell and Lange-Nielsen syndrome 1 (JLNS1). Also called: CARDIOAUDITORY SYNDROME OF JERVELL AND LANGE-NIELSEN; DEAFNESS, CONGENITAL, AND FUNCTIONAL HEART DISEASE; PROLONGED QT INTERVAL IN EKG AND SUDDEN DEATH; SURDO-CARDIAC SYNDROME. Identifiers: Orphanet 768, Orphanet 90647, MedGen C4551509, MONDO:0024540, OMIM 220400.
Short QT syndrome type 2. Identifiers: Orphanet 51083, MedGen C1865019, MONDO:0012313, OMIM 609621.
Long QT syndrome (LQTS). Identifiers: MedGen C0023976, MeSH D008133, MONDO:0002442. Disease mechanism: loss of function. Inheritance: Various modes of inheritance.

Allele frequency attached by ClinVar (database versions not stated): gnomAD 0.00001; TOPMed 0.00001.
gnomAD v4.1: 17 of 1,612,508 alleles (0.0011%); highest among the groups gnomAD compares: African/African-American, 0.0027%; no homozygotes.

Submissions 1 to 6 of 16:

Victorian Clinical Genetics Services, Murdoch Childrens Research Institute
Classification: Pathogenic for Long QT syndrome 1. Last evaluated: 2026-01-15. Review status: criteria provided, single submitter. Criteria: ACMG Guidelines, 2015. Collection method: clinical testing. Allele origin: germline. Affected: yes.
Comment: This variant is classified as Pathogenic. Evidence in support of pathogenic classification: Variant is present in gnomAD <0.001 for a dominant condition (v4: 17 heterozygote(s), 0 homozygote(s)); This variant has strong previous evidence of pathogenicity in unrelated individuals. This variant has been reported in at least ten individuals with LQTS. While it is primarily heterozygous in affected individuals, compound heterozygous and homozygous individuals with a more severe phenotype or JLNS have also been reported (ClinVar, PMIDs: 9693036, 15051636, 19716085, 27041150). Additionally, an alternate nucleotide change (c.502G>C) which results in the same missense amino acid change has also been reported in individuals with LQTS (ClinVar; PMID: 19716085); Missense variant predicted to be damaging by in silico tool(s) or highly conserved with a major amino acid change. Additional information: Variant is predicted to result in a missense amino acid change from glycine to arginine; This variant is heterozygous; This gene is known to be associated with both recessive and dominant disease. JLNS is characterized by congenital, bilateral deafness and variable degrees of QT prolongation, and is the only condition caused by biallelic variants (PMID: 28438721); This variant has moderate functional evidence supporting abnormal protein function. Mutant constructs transfected into Xenopus oocytes demonstrated loss of channel function and when co-expressed with the WT construct had dominant-negative effects (PMID: 15051636); Dominant negative, loss of function and gain of function are known mechanisms of disease in this gene. Gain of function variants result exclusively in short QT syndrome 2 (MIM#609621), while dominant negative and loss of function variants can cause long QT syndrome 1 (LQTS, MIM#192500), familial atrial fibrillation 3 (MIM#607554) as well as Jervell and Lange-Nielsen syndrome (JLNS, MIM#220400) (OMIM, PMIDs: 19632626, 28438721); The condition associated with this gene has incomplete penetrance (OMIM, PMID: 20301308); Inheritance information for this variant is not currently available in this individual.

Labcorp Genetics (formerly Invitae), Labcorp
Classification: Pathogenic for Long QT syndrome. Last evaluated: 2026-01-10. Review status: criteria provided, single submitter. Criteria: Invitae Variant Classification Sherloc (09022015). Collection method: clinical testing. Allele origin: germline.
Comment: This sequence change replaces glycine, which is neutral and non-polar, with arginine, which is basic and polar, at codon 168 of the KCNQ1 protein (p.Gly168Arg). This variant is present in population databases (rs179489, gnomAD 0.003%). This missense change has been observed in individuals with long QT syndrome (PMID: 9693036, 10973849, 17905336, 19841300, 23130128). It has also been observed to segregate with disease in related individuals. ClinVar contains an entry for this variant (Variation ID: 53052). Invitae Evidence Modeling of protein sequence and biophysical properties (such as structural, functional, and spatial information, amino acid conservation, physicochemical variation, residue mobility, and thermodynamic stability) indicates that this missense variant is expected to disrupt KCNQ1 protein function with a positive predictive value of 95%. Experimental studies have shown that this missense change affects KCNQ1 function (PMID: 19490272). For these reasons, this variant has been classified as Pathogenic.

Ambry Genetics
Classification: Pathogenic for Cardiovascular phenotype. Last evaluated: 2025-08-04. Review status: criteria provided, single submitter. Criteria: Ambry Variant Classification Scheme 2023. Collection method: clinical testing. Allele origin: germline.
Comment: The p.G168R pathogenic mutation (also known as c.502G>A), located in coding exon 3 of the KCNQ1 gene, results from a G to A substitution at nucleotide position 502. The glycine at codon 168 is replaced by arginine, an amino acid with dissimilar properties, and is located in the S2 transmembrane region of the protein. This alteration, and another nucleotide substitution resulting in the same amino acid change (c.502G>C), has been detected in multiple unrelated, heterozygous individuals reported to have long QT syndrome (LQTS), has been reported to segregate with LQTS in multiple families, and has been reported in the homozygous and compound heterozygous states in individuals with Jervell and Lange-Nielsen syndrome (Donger C et al. Circulation. 1997;96(9):2778-81; Splawski et al. Genomics. 1998;51(1):86-97; Splawski I et al. Circulation. 2000;102(10):1178-85; M&aacute;rquez MF et al. Arch Cardiol Mex. 2006;76(3):257-62; Kapplinger JD et al. Heart Rhythm. 2009;6(9):1297-303; Summers KM et al. Am J Med Genet. 2010;152A(3):613-21; Vyas B. Am. J Med Genet A. 2016;170(6):1510-9; Sato A et al. Int Heart J. 2019 Sep;60(5):1206-1210; Lorca R et al. J Clin Med. 2020 Nov;9(12)). This alteration has been reported to result in loss of ion channel function in an in vitro assay (Westenskow P et al. Circulation. 2004;109(15):1834-41). This amino acid position is highly conserved in available vertebrate species. In addition, this alteration is predicted to be deleterious by in silico analysis. Based on the supporting evidence, this alteration is interpreted as a disease-causing mutation.

3billion
Classification: Pathogenic for Long QT syndrome 1. Last evaluated: 2025-05-20. Review status: criteria provided, single submitter. Criteria: ACMG Guidelines, 2015. Collection method: clinical testing. Allele origin: germline. Affected: yes.
Comment: The variant is observed at an extremely low frequency in the gnomAD v4.1.0 dataset (total allele frequency: 0.001%). Predicted Consequence/Location: Missense variant In silico tool predictions suggest damaging effect of the variant on gene or gene product [REVEL: 0.93 (>=0.6, sensitivity 0.68 and specificity 0.92); 3Cnet: 0.99 (> 0.75, sensitivity 0.96 and precision 0.92)]. The same nucleotide change resulting in the same amino acid change has been previously reported as pathogenic/likely pathogenic with strong evidence (ClinVar ID: VCV000053052 /PMID: 9693036). The variant has been reported to co-segregate with the disease in at least 7 similarly affected relatives/individuals in at least two unrelated families (PMID: 14531214). A different missense change at the same codon (p.Gly168Glu) has been reported to be associated with KCNQ1-related disorder (ClinVar ID: VCV002720466). Therefore, this variant is classified as Pathogenic according to the recommendation of ACMG/AMP guideline.

Blueprint Genetics
Classification: Pathogenic for KCNQ1-related disorders. Last evaluated: 2024-10-14. Review status: criteria provided, single submitter. Criteria: ACMG Guidelines, 2015. Collection method: clinical testing. Allele origin: germline. Affected: yes. Observed: 5 variant alleles.

All of Us Research Program, National Institutes of Health
Classification: Pathogenic for Long QT syndrome. Last evaluated: 2024-07-29. Review status: criteria provided, single submitter. Criteria: ACMG Guidelines, 2015. Collection method: clinical testing. Allele origin: germline. Inheritance: Autosomal dominant inheritance. Observed: 1 variant allele, 1 heterozygote.
Comment: This missense variant replaces glycine with arginine at codon 168 in the transmembrane domain of the KCNQ1 protein. Computational prediction tools and conservation analyses suggest that this variant may have deleterious impact on the protein function. Computational splicing tools suggest that this variant may not impact RNA splicing. Experimental functional studies have shown that this variant changes potassium channel current (PMID: 21451124, 22456477). This variant has been reported in multiple individuals affected with long QT syndrome (PMID: 19490272, 19716085, 26318259, 26681611, 27921062, 28794082, 29952348, 14531214, 20186784). It has been shown that this variant segregates with long QT syndrome in numerous individuals from multiple families (PMID: 14531214, 20186784, 21451124, 26318259). This variant has also been reported in the homozygous state in a few individual affected with Jervell and Lange-Nielsen syndrome (PMID: 17091796, 27041150, 27485560). This variant has been identified in 3/249646 chromosomes in the general population by the Genome Aggregation Database (gnomAD). Based on available evidence, this variant is classified as Pathogenic.

This study involves interpretation of variants in research participants for the purpose of population health screening. Participant phenotype was not available at the time of variant classification. Additional details can be found in publication PMID: 35346344, PMCID: PMC8962531